The following is an entry in ClinVar:

ClinVar aggregate classification (germline): Conflicting classifications of pathogenicity. Review status: criteria provided, conflicting classifications (1 of 4 stars). 2 submissions from 2 submitters: Likely pathogenic (1); Uncertain significance (1). Last evaluated 2025-04-29.

Conditions:
Primary ciliary dyskinesia. Also called: Ciliary dyskinesia. Identifiers: Orphanet 244, MedGen C0008780, MONDO:0016575, HP:0012265.

Allele frequency attached by ClinVar (database versions not stated): gnomAD exomes below 0.00001; TOPMed below 0.00001.
gnomAD v4.1: 2 of 1,614,008 alleles (0.00012%); highest among the groups gnomAD compares: Non-Finnish European, 0.00017%; no homozygotes.

Submissions (2):

Labcorp Genetics (formerly Invitae), Labcorp
Classification: Uncertain significance for Primary ciliary dyskinesia. Last evaluated: 2025-04-29. Review status: criteria provided, single submitter. Criteria: Invitae Variant Classification Sherloc (09022015). Collection method: clinical testing. Allele origin: germline.
Comment: This sequence change replaces glutamic acid, which is acidic and polar, with lysine, which is basic and polar, at codon 1946 of the DNAH11 protein (p.Glu1946Lys). This variant is not present in population databases (gnomAD no frequency). This missense change has been observed in individual(s) with clinical features of primary ciliary dyskinesia (internal data). In at least one individual the data is consistent with being in trans (on the opposite chromosome) from a pathogenic variant. ClinVar contains an entry for this variant (Variation ID: 1023551). Invitae Evidence Modeling of protein sequence and biophysical properties (such as structural, functional, and spatial information, amino acid conservation, physicochemical variation, residue mobility, and thermodynamic stability) indicates that this missense variant is not expected to disrupt DNAH11 protein function with a negative predictive value of 80%. In summary, the available evidence is currently insufficient to determine the role of this variant in disease. Therefore, it has been classified as a Variant of Uncertain Significance.

Laboratory of Genetics, Children's Clinical University Hospital Latvia
Classification: Likely pathogenic. Last evaluated: 2025-02-16. Review status: criteria provided, single submitter. Criteria: ACMG Guidelines, 2015. Collection method: clinical testing. Allele origin: germline. Affected: yes.

NM_001277115.2(DNAH11):c.5836G>A (p.Glu1946Lys)

Gene: DNAH11 (dynein axonemal heavy chain 11; plus strand). Cytogenetic location: 7p15.3.
Variant type: single nucleotide variant.
Coding change: c.5836G>A on transcript NM_001277115.2 (MANE Select); coding-DNA position 5836, G replaced by A.
Protein change: p.Glu1946Lys; replaces glutamic acid 1946 with lysine.
Molecular consequence: missense variant.
Genome position (GRCh38, 1-based): chr7:21,687,439, G>A. VCF-style: chr7-21687439-G-A. GRCh37 (hg19) VCF-style: chr7-21727057-G-A.
Other names: short protein forms E1946K.
Identifiers: ClinVar variation 1023551 (VCV001023551.19), dbSNP rs1165469663, ClinGen allele CA366949663.